The following is an entry in ClinVar:

ClinVar aggregate classification (germline): Benign. Review status: criteria provided, multiple submitters, no conflicts (2 of 4 stars). 3 submissions from 3 submitters: Benign (3). Last evaluated 2023-06-01.

Allele frequency attached by ClinVar (database versions not stated): gnomAD exomes 0.00175 and 0.00454; gnomAD 0.01777 and 0.01912; 1000 Genomes Project 0.02077; ExAC 0.00544; TOPMed 0.02054; ESP Exome Variant Server 0.02045; 1000 Genomes Project 30x 0.02280.
gnomAD v4.1: 5,383 of 1,614,070 alleles (0.33%); highest among the groups gnomAD compares: African/African-American, 6.1%; 165 homozygotes.

Submissions (3):

Mayo Clinic Laboratories, Mayo Clinic
Classification: Benign. Last evaluated: 2023-06-01. Review status: criteria provided, single submitter. Criteria: ACMG Guidelines, 2015. Collection method: clinical testing. Allele origin: germline. Observed: 3 variant alleles.
Comment: BA1, BS1, BS2, BP4

GeneDx
Classification: Benign. Last evaluated: 2020-09-24. Review status: criteria provided, single submitter. Criteria: GeneDx Variant Classification Process June 2021. Collection method: clinical testing. Allele origin: germline. Affected: yes.
Comment: This variant is associated with the following publications: (PMID: 22658323)

Breakthrough Genomics
Classification: Benign. Review status: criteria provided, single submitter. Criteria: ACMG Guidelines, 2015. Collection method: not provided. Allele origin: germline. Inheritance: Autosomal dominant inheritance. Affected: yes.

NM_198241.3(EIF4G1):c.932A>G (p.Tyr311Cys)

Gene: EIF4G1 (eukaryotic translation initiation factor 4 gamma 1; plus strand). Cytogenetic location: 3q27.1.
Variant type: single nucleotide variant.
Coding change: c.932A>G on transcript NM_198241.3 (MANE Select); coding-DNA position 932, A replaced by G.
Protein change: p.Tyr311Cys; replaces tyrosine 311 with cysteine.
Molecular consequence: missense variant.
Genome position (GRCh38, 1-based): chr3:184,321,516, A>G. VCF-style: chr3-184321516-A-G. GRCh37 (hg19) VCF-style: chr3-184039304-A-G.
Other names: p.Tyr311Cys; c.953A>G, p.Tyr318Cys (NM_001194946.2, NM_001194947.2); c.812A>G, p.Tyr271Cys (NM_001291157.2); c.344A>G, p.Tyr115Cys (NM_004953.5); c.932A>G, p.Tyr311Cys (NM_182917.4); c.440A>G, p.Tyr147Cys (NM_198242.3); c.671A>G, p.Tyr224Cys (NM_198244.3); short protein forms Y115C, Y147C, Y224C, Y271C, Y311C, Y318C.
Identifiers: ClinVar variation 1238081 (VCV001238081.5), dbSNP rs16858632, ClinGen allele CA2732082.
Genomic context (GRCh38, chr3:184,321,516, plus strand): 5'-CAACTATACAAATGTCTGTAGAAGAATCAACCCCCATCTCCCGTGAAACTGGGGAGCCAT[A>G]TCGCCTCTCTCCAGAACCCACTCCTCTCGCCGAACCCATACTGGAAGTAGAAGTGACACT-3'
Protein context (NP_937884.2, residues 301-321): TPISRETGEP[Tyr311Cys]RLSPEPTPLA